The following is an entry in ClinVar:

ClinVar aggregate classification (germline): Uncertain significance. Review status: criteria provided, single submitter (1 of 4 stars). 2 submissions from 2 submitters: Uncertain significance (1). 1 of the submissions does not count toward it. Last evaluated 2021-08-26.

Conditions:
Glycogen storage disease type III (GSD3). Also called: Cori disease; FORBES DISEASE. Identifiers: Orphanet 366, MedGen C0017922, MONDO:0009291, OMIM 232400.

Allele frequency attached by ClinVar (database versions not stated): gnomAD exomes below 0.00001; TOPMed below 0.00001; gnomAD 0.00002.
gnomAD v4.1: 6 of 1,613,374 alleles (0.00037%); highest among the groups gnomAD compares: Non-Finnish European, 0.00042%; no homozygotes.

Submissions (2):

Labcorp Genetics (formerly Invitae), Labcorp
Classification: Uncertain significance for Glycogen storage disease type III. Last evaluated: 2021-08-26. Review status: criteria provided, single submitter. Criteria: Invitae Variant Classification Sherloc (09022015). Collection method: clinical testing. Allele origin: germline.
Comment: This sequence change replaces glycine with cysteine at codon 1043 of the AGL protein (p.Gly1043Cys). The glycine residue is weakly conserved and there is a large physicochemical difference between glycine and cysteine. This variant is not present in population databases (ExAC no frequency). This variant has not been reported in the literature in individuals affected with AGL-related conditions. Algorithms developed to predict the effect of missense changes on protein structure and function (SIFT, PolyPhen-2, Align-GVGD) all suggest that this variant is likely to be tolerated. In summary, the available evidence is currently insufficient to determine the role of this variant in disease. Therefore, it has been classified as a Variant of Uncertain Significance.

Natera, Inc.
Classification: Uncertain significance for Glycogen storage disease type III. Last evaluated: 2021-04-29. Review status: no assertion criteria provided. Collection method: clinical testing. Allele origin: germline. Not counted in ClinVar's aggregate classification.

NM_000642.3(AGL):c.3127G>T (p.Gly1043Cys)

Gene: AGL (amylo-alpha-1,6-glucosidase and 4-alpha-glucanotransferase; plus strand). Cytogenetic location: 1p21.2.
Variant type: single nucleotide variant.
Coding change: c.3127G>T on transcript NM_000642.3 (MANE Select); coding-DNA position 3127, G replaced by T.
Protein change: p.Gly1043Cys; replaces glycine 1043 with cysteine.
Molecular consequence: missense variant.
Genome position (GRCh38, 1-based): chr1:99,892,475, G>T. VCF-style: chr1-99892475-G-T. GRCh37 (hg19) VCF-style: chr1-100358031-G-T.
Other names: c.3127G>T, p.Gly1043Cys (NM_000028.3, NM_000643.3, NM_000644.3 and 1 more transcripts); c.3079G>T, p.Gly1027Cys (NM_000646.3); c.3106G>T, p.Gly1036Cys (NM_001425326.1); c.2926G>T, p.Gly976Cys (NM_001425327.1); c.2923G>T, p.Gly975Cys (NM_001425328.1); c.2788G>T, p.Gly930Cys (NM_001425329.1); c.2749G>T, p.Gly917Cys (NM_001425332.1); short protein forms G1043C, G1027C, G1036C, G917C, G930C, G975C, G976C.
Identifiers: ClinVar variation 526583 (VCV000526583.10), dbSNP rs1422201126, ClinGen allele CA341326661.